The following is an entry in ClinVar:

NM_001122752.2(SERPINI1):c.425_428del (p.Ser142fs)

Gene: SERPINI1 (serpin family I member 1; plus strand). Cytogenetic location: 3q26.1.
Variant type: Deletion.
Coding change: c.425_428del on transcript NM_001122752.2 (MANE Select); coding-DNA positions 425 to 428, 4 bases deleted (GTCA; older notation c.425_428delGTCA).
Protein change: p.Ser142fs; shifts the reading frame from serine 142.
Molecular consequence: frameshift variant.
Genome position (GRCh38, 1-based): chr3:167,790,546-167,790,549, GTCA deleted; deleting any 4 consecutive bases within chr3:167,790,543-167,790,549 gives the same sequence; the c. name uses the placement nearest the transcript's 3' end. VCF-style (leftmost placement, unchanged base first): chr3-167790542-TTCAG-T. GRCh37 (hg19) VCF-style: chr3-167508330-TTCAG-T.
Other names: c.425_428del, p.Ser142fs (NM_005025.5); short protein forms S142fs.
Identifiers: ClinVar variation 2079413 (VCV002079413.4), dbSNP rs2476226623, ClinGen allele CA2580069057.

ClinVar aggregate classification (germline): Uncertain significance (1 of 4 stars; one submission).

Conditions:
Familial encephalopathy with neuroserpin inclusion bodies. Also called: ENCEPHALOPATHY, FAMILIAL, WITH COLLINS BODIES. Identifiers: Orphanet 85110, MedGen C1858680, MONDO:0011412, OMIM 604218.

Submission:

Labcorp Genetics (formerly Invitae), Labcorp
Classification: Uncertain significance for Familial encephalopathy with neuroserpin inclusion bodies. Last evaluated: 2023-09-25. Review status: criteria provided, single submitter. Criteria: Invitae Variant Classification Sherloc (09022015). Collection method: clinical testing. Allele origin: germline.
Comment: This sequence change creates a premature translational stop signal (p.Ser142Lysfs*3) in the SERPINI1 gene. It is expected to result in an absent or disrupted protein product. However, the current clinical and genetic evidence is not sufficient to establish whether loss-of-function variants in SERPINI1 cause disease. This variant is not present in population databases (gnomAD no frequency). This variant has not been reported in the literature in individuals affected with SERPINI1-related conditions. ClinVar contains an entry for this variant (Variation ID: 2079413). In summary, the available evidence is currently insufficient to determine the role of this variant in disease. Therefore, it has been classified as a Variant of Uncertain Significance.